The following is an entry in ClinVar:

NM_001130009.3(GEN1):c.2362A>G (p.Lys788Glu)

Gene: GEN1 (GEN1 Holliday junction 5' flap endonuclease; plus strand). Cytogenetic location: 2p24.2.
Variant type: single nucleotide variant.
Coding change: c.2362A>G on transcript NM_001130009.3 (MANE Select); coding-DNA position 2362, A replaced by G.
Protein change: p.Lys788Glu; replaces lysine 788 with glutamic acid.
Molecular consequence: missense variant.
Genome position (GRCh38, 1-based): chr2:17,781,574, A>G. VCF-style: chr2-17781574-A-G. GRCh37 (hg19) VCF-style: chr2-17962841-A-G.
Other names: c.2362A>G, p.Lys788Glu (NM_182625.5); short protein forms K788E.
Identifiers: ClinVar variation 3853455 (VCV003853455.1).

ClinVar aggregate classification (germline): Uncertain significance (1 of 4 stars; one submission).

Submission:

Ambry Genetics
Classification: Uncertain significance. Last evaluated: 2024-12-23. Review status: criteria provided, single submitter. Criteria: Ambry Variant Classification Scheme 2023. Collection method: clinical testing. Allele origin: germline.
Comment: The p.K788E variant (also known as c.2362A>G), located in coding exon 13 of the GEN1 gene, results from an A to G substitution at nucleotide position 2362. The lysine at codon 788 is replaced by glutamic acid, an amino acid with similar properties. This amino acid position is conserved. In addition, this alteration is predicted to be tolerated by in silico analysis. Based on the available evidence, the clinical significance of this variant remains unclear.